The following is an entry in ClinVar:

NM_004482.4(GALNT3):c.1626+6C>T

Gene: GALNT3 (polypeptide N-acetylgalactosaminyltransferase 3; minus strand). Cytogenetic location: 2q24.3.
Variant type: single nucleotide variant.
Coding change: c.1626+6C>T on transcript NM_004482.4 (MANE Select); 6 bases into the intron after coding-DNA position 1626, C replaced by T.
Molecular consequence: intron variant.
Genome position (GRCh38, 1-based): chr2:165,754,621, G>A on the plus strand (C>T on the coding strand, the complement: GALNT3 is on the minus strand). VCF-style: chr2-165754621-G-A. GRCh37 (hg19) VCF-style: chr2-166611131-G-A.
Identifiers: ClinVar variation 892991 (VCV000892991.7), dbSNP rs774391241, ClinGen allele CA1940901.

ClinVar aggregate classification (germline): Uncertain significance. Review status: criteria provided, multiple submitters, no conflicts (2 of 4 stars). 3 submissions from 3 submitters: Uncertain significance (3). Last evaluated 2022-02-08.

Conditions:
Tumoral calcinosis, hyperphosphatemic, familial, 1. Also called: CALCINOSIS, TUMORAL, WITH HYPERPHOSPHATEMIA; LIPOCALCINOGRANULOMATOSIS; MORBUS TEUTSCHLAENDER; HYPEROSTOSIS WITH HYPERPHOSPHATEMIA; HYPEROSTOSIS-HYPERPHOSPHATEMIA SYNDROME; CORTICAL HYPEROSTOSIS WITH HYPERPHOSPHATEMIA. Identifiers: Orphanet 53715, MedGen C4692564, MONDO:0100252, OMIM 211900.

Allele frequency attached by ClinVar (database versions not stated): gnomAD below 0.00001 and 0.00001; gnomAD exomes 0.00003 and 0.00006; ExAC 0.00004.
gnomAD v4.1: 40 of 1,597,246 alleles (0.0025%); highest among the groups gnomAD compares: South Asian, 0.042%; no homozygotes.

Submissions (3):

Labcorp Genetics (formerly Invitae), Labcorp
Classification: Uncertain significance. Last evaluated: 2022-02-08. Review status: criteria provided, single submitter. Criteria: Invitae Variant Classification Sherloc (09022015). Collection method: clinical testing. Allele origin: germline.
Comment: This sequence change falls in intron 9 of the GALNT3 gene. It does not directly change the encoded amino acid sequence of the GALNT3 protein. It affects a nucleotide within the consensus splice site. This variant is present in population databases (rs774391241, gnomAD 0.05%). This variant has not been reported in the literature in individuals affected with GALNT3-related conditions. ClinVar contains an entry for this variant (Variation ID: 892991). Variants that disrupt the consensus splice site are a relatively common cause of aberrant splicing (PMID: 17576681, 9536098). Algorithms developed to predict the effect of sequence changes on RNA splicing suggest that this variant is not likely to affect RNA splicing. In summary, the available evidence is currently insufficient to determine the role of this variant in disease. Therefore, it has been classified as a Variant of Uncertain Significance.

Fulgent Genetics
Classification: Uncertain significance for Tumoral calcinosis, hyperphosphatemic, familial, 1. Last evaluated: 2021-08-12. Review status: criteria provided, single submitter. Criteria: ACMG Guidelines, 2015. Collection method: clinical testing. Allele origin: unknown.

Illumina Laboratory Services, Illumina
Classification: Uncertain significance for Tumoral calcinosis, hyperphosphatemic, familial, 1. Last evaluated: 2018-01-13. Review status: criteria provided, single submitter. Criteria: ICSL Variant Classification Criteria 13 December 2019. Collection method: clinical testing. Allele origin: germline.

Literature cited by the submitters: PubMed 17576681 (cited by Labcorp Genetics (formerly Invitae), Labcorp); PubMed 9536098 (cited by Labcorp Genetics (formerly Invitae), Labcorp).